The following is an entry in ClinVar:

NM_000170.3(GLDC):c.2360C>A (p.Ser787Ter)

Gene: GLDC (glycine decarboxylase; minus strand). Cytogenetic location: 9p24.1.
Variant type: single nucleotide variant.
Coding change: c.2360C>A on transcript NM_000170.3 (MANE Select); coding-DNA position 2360, C replaced by A.
Protein change: p.Ser787Ter; replaces serine 787 with a stop codon.
Molecular consequence: nonsense.
Genome position (GRCh38, 1-based): chr9:6,553,465, G>T on the plus strand (C>A on the coding strand, the complement: GLDC is on the minus strand). VCF-style: chr9-6553465-G-T. GRCh37 (hg19) VCF-style: chr9-6553465-G-T.
Other names: short protein forms S787*.
Identifiers: ClinVar variation 5012816 (VCV005012816.1).

ClinVar aggregate classification (germline): Pathogenic (1 of 4 stars; one submission).

Conditions:
Glycine encephalopathy 1 (GCE1). Identifiers: MedGen CN376801, MONDO:0958179, OMIM 605899.

Submission:

Myriad Genetics, Inc.
Classification: Pathogenic for Glycine encephalopathy 1. Last evaluated: 2024-03-11. Review status: criteria provided, single submitter. Criteria: Myriad Autosomal Dominant, Autosomal Recessive and X-Linked Classification Criteria (2023). Collection method: clinical testing. Allele origin: unknown.
Comment: NM_000170.2(GLDC):c.2360C>A(S787*) is expected to be pathogenic in the context of glycine encephalopathy, GLDC-related. This variant is predicted to lead to an abnormal or absent protein product due to the creation of a premature termination codon in GLDC, a gene where loss-of-function variants are known to be pathogenic. Please note: this variant was assessed in the context of healthy population screening.